The following is an entry in ClinVar:

NM_001754.5(RUNX1):c.579C>T (p.Ile193=)

Genes: RUNX1 (RUNX family transcription factor 1; minus strand), RUNX1-AS1 (RUNX1 antisense RNA 1; plus strand). Cytogenetic location: 21q22.12.
Variant type: single nucleotide variant.
Coding change: c.579C>T on transcript NM_001754.5 (MANE Select); coding-DNA position 579, C replaced by T.
Protein change: p.Ile193=; no amino-acid change (isoleucine 193 retained).
Molecular consequence: synonymous variant.
Genome position (GRCh38, 1-based): chr21:34,859,508, G>A on the plus strand (C>T on the coding strand, the complement: RUNX1 is on the minus strand). VCF-style: chr21-34859508-G-A. GRCh37 (hg19) VCF-style: chr21-36231805-G-A.
Other names: NM_001754.4(RUNX1):c.579C>T; p.Ile193=; NM_001754.5(RUNX1):c.579C>T; c.498C>T, p.Ile166= (NM_001001890.3, NM_001122607.2).
Identifiers: ClinVar variation 532685 (VCV000532685.17), dbSNP rs762702957, ClinGen allele CA320617998.

ClinVar aggregate classification (germline): Likely benign. Review status: reviewed by expert panel (3 of 4 stars). 3 submissions from 3 submitters: Likely benign (1). 2 of the submissions do not count toward it. Last evaluated 2026-05-04.

Conditions:
Hereditary thrombocytopenia and hematologic cancer predisposition syndrome. Identifiers: Orphanet 71290, MedGen CN281654, MONDO:0011071.
Inborn genetic diseases. Identifiers: MedGen C0950123, MeSH D030342.
Hereditary thrombocytopenia and hematological cancer predisposition syndrome associated with RUNX1. Also called: Familial Platelet Disorder with Propensity to Acute Myelogenous Leukemia; Familial thrombocytopenia with propensity to acute myelogenous leukemia; RUNX1 Familial Platelet Disorder with Associated Myeloid Malignancies; PLATELET DISORDER, ASPIRIN-LIKE. Identifiers: Orphanet 71290, MedGen C1832388, MeSH C563324, MONDO:0100083, OMIM 601399.

Allele frequency attached by ClinVar (database versions not stated): TOPMed below 0.00001; gnomAD 0.00001; gnomAD exomes 0.00001.
gnomAD v4.1: 11 of 1,614,014 alleles (0.00068%); highest among the groups gnomAD compares: Non-Finnish European, 0.00093%; no homozygotes.

Submissions (3):

ClinGen Myeloid Malignancy Variant Curation Expert Panel
Classification: Likely benign for Hereditary thrombocytopenia and hematologic cancer predisposition syndrome. Last evaluated: 2026-05-04. Review status: reviewed by expert panel. Criteria: ClinGen MyeloMalig ACMG Specifications V3.1. Collection method: curation. Allele origin: germline. Inheritance: Autosomal dominant inheritance.
Comment: NM_001754.5(RUNX1):c.579C>T (p.Ile193=) is a synonymous variant which has a SpliceAI score ≤ 0.20 (0.01) (BP4, BP7). This variant is completely absent from all population databases with at least 20x coverage for RUNX1 (PM2_supporting). In summary, this variant meets criteria to be classified as likely benign. ACMG/AMP criteria applied, as specified by the Myeloid Malignancy Variant Curation Expert Panel for RUNX1: BP4, BP7, PM2_supporting.

Labcorp Genetics (formerly Invitae), Labcorp
Classification: Likely benign for Hereditary thrombocytopenia and hematological cancer predisposition syndrome associated with RUNX1. Last evaluated: 2025-10-07. Review status: criteria provided, single submitter. Criteria: Invitae Variant Classification Sherloc (09022015). Collection method: clinical testing. Allele origin: germline. Not counted in ClinVar's aggregate classification.

Ambry Genetics
Classification: Likely benign for Inborn genetic diseases. Last evaluated: 2025-03-03. Review status: criteria provided, single submitter. Criteria: Ambry Variant Classification Scheme 2023. Collection method: clinical testing. Allele origin: germline. Not counted in ClinVar's aggregate classification.